The following is an entry in ClinVar:

NM_014314.4(RIGI):c.1283G>A (p.Cys428Tyr)

Gene: RIGI (RNA sensor RIG-I; minus strand). Cytogenetic location: 9p21.1.
Variant type: single nucleotide variant.
Coding change: c.1283G>A on transcript NM_014314.4 (MANE Select); coding-DNA position 1283, G replaced by A.
Protein change: p.Cys428Tyr; replaces cysteine 428 with tyrosine.
Molecular consequence: missense variant.
Genome position (GRCh38, 1-based): chr9:32,487,563, C>T on the plus strand (G>A on the coding strand, the complement: RIGI is on the minus strand). VCF-style: chr9-32487563-C-T. GRCh37 (hg19) VCF-style: chr9-32487561-C-T.
Other names: c.1277G>A, p.Cys426Tyr (NM_001385907.1); c.1283G>A, p.Cys428Tyr (NM_001385909.1); c.842G>A, p.Cys281Tyr (NM_001385910.1); c.674G>A, p.Cys225Tyr (NM_001385912.1); c.1268G>A, p.Cys423Tyr (NM_001385913.1); c.839G>A, p.Cys280Tyr (NM_001385914.1); short protein forms C423Y, C428Y, C426Y, C225Y, C280Y, C281Y.
Identifiers: ClinVar variation 3683936 (VCV003683936.2).

ClinVar aggregate classification (germline): Uncertain significance (1 of 4 stars; one submission).

gnomAD v4.1: 1 of 1,614,168 alleles (0.000062%); highest among the groups gnomAD compares: African/African-American, 0.0013%; no homozygotes.

Submission:

Labcorp Genetics (formerly Invitae), Labcorp
Classification: Uncertain significance. Last evaluated: 2024-04-29. Review status: criteria provided, single submitter. Criteria: Invitae Variant Classification Sherloc (09022015). Collection method: clinical testing. Allele origin: germline.
Comment: This sequence change replaces cysteine, which is neutral and slightly polar, with tyrosine, which is neutral and polar, at codon 428 of the DDX58 protein (p.Cys428Tyr). This variant is not present in population databases (gnomAD no frequency). This variant has not been reported in the literature in individuals affected with DDX58-related conditions. Advanced modeling of protein sequence and biophysical properties (such as structural, functional, and spatial information, amino acid conservation, physicochemical variation, residue mobility, and thermodynamic stability) performed at Invitae indicates that this missense variant is not expected to disrupt DDX58 protein function with a negative predictive value of 80%. In summary, the available evidence is currently insufficient to determine the role of this variant in disease. Therefore, it has been classified as a Variant of Uncertain Significance.